The following is an entry in ClinVar:

ClinVar aggregate classification (germline): Uncertain significance. Review status: criteria provided, multiple submitters, no conflicts (2 of 4 stars). 2 submissions from 2 submitters: Uncertain significance (2). Last evaluated 2025-06-29.

Allele frequency attached by ClinVar (database versions not stated): ExAC 0.00001; gnomAD 0.00001; gnomAD exomes 0.00001; TOPMed 0.00001.
gnomAD v4.1: 12 of 1,614,096 alleles (0.00074%); highest among the groups gnomAD compares: Admixed American, 0.0017%; no homozygotes.

Submissions (2):

Labcorp Genetics (formerly Invitae), Labcorp
Classification: Uncertain significance. Last evaluated: 2025-06-29. Review status: criteria provided, single submitter. Criteria: Invitae Variant Classification Sherloc (09022015). Collection method: clinical testing. Allele origin: germline.
Comment: This sequence change replaces serine, which is neutral and polar, with glycine, which is neutral and non-polar, at codon 1155 of the COL4A1 protein (p.Ser1155Gly). This variant is present in population databases (rs780389465, gnomAD 0.003%). This variant has not been reported in the literature in individuals affected with COL4A1-related conditions. ClinVar contains an entry for this variant (Variation ID: 1723825). Invitae Evidence Modeling of protein sequence and biophysical properties (such as structural, functional, and spatial information, amino acid conservation, physicochemical variation, residue mobility, and thermodynamic stability) indicates that this missense variant is not expected to disrupt COL4A1 protein function with a negative predictive value of 95%. In summary, the available evidence is currently insufficient to determine the role of this variant in disease. Therefore, it has been classified as a Variant of Uncertain Significance.

GeneDx
Classification: Uncertain significance. Last evaluated: 2022-05-11. Review status: criteria provided, single submitter. Criteria: GeneDx Variant Classification Process June 2021. Collection method: clinical testing. Allele origin: germline. Affected: yes.
Comment: In silico analysis supports that this missense variant does not alter protein structure/function; Has not been previously published as pathogenic or benign to our knowledge; Occurs in the triple helical domain at the X position in the canonical Gly-X-Y repeat; although this variant may have an effect on normal protein folding and function, missense substitution at the X position is not a common mechanism of disease

NM_001845.6(COL4A1):c.3463A>G (p.Ser1155Gly)

Gene: COL4A1 (collagen type IV alpha 1 chain; minus strand). Cytogenetic location: 13q34.
Variant type: single nucleotide variant.
Coding change: c.3463A>G on transcript NM_001845.6 (MANE Select); coding-DNA position 3463, A replaced by G.
Protein change: p.Ser1155Gly; replaces serine 1155 with glycine.
Molecular consequence: missense variant.
Genome position (GRCh38, 1-based): chr13:110,173,942, T>C on the plus strand (A>G on the coding strand, the complement: COL4A1 is on the minus strand). VCF-style: chr13-110173942-T-C. GRCh37 (hg19) VCF-style: chr13-110826289-T-C.
Other names: short protein forms S1155G.
Identifiers: ClinVar variation 1723825 (VCV001723825.4), dbSNP rs780389465, ClinGen allele CA7047261.